The following is an entry in ClinVar:

NM_000639.3(FASLG):c.-16T>C

Gene: FASLG (Fas ligand; plus strand). Cytogenetic location: 1q24.3.
Variant type: single nucleotide variant.
Coding change: c.-16T>C on transcript NM_000639.3 (MANE Select); 16 bases upstream of the start codon, T replaced by C.
Molecular consequence: 5 prime UTR variant.
Genome position (GRCh38, 1-based): chr1:172,659,186, T>C. VCF-style: chr1-172659186-T-C. GRCh37 (hg19) VCF-style: chr1-172628326-T-C.
Other names: c.-16T>C (NM_001302746.2).
Identifiers: ClinVar variation 293726 (VCV000293726.5), dbSNP rs781373207, ClinGen allele CA1247421.

ClinVar aggregate classification (germline): Likely benign (1 of 4 stars; one submission).

Conditions:
Autoimmune lymphoproliferative syndrome type 1. Also called: AUTOIMMUNE LYMPHOPROLIFERATIVE SYNDROME, TYPE I, AUTOSOMAL DOMINANT. Identifiers: Orphanet 3261, MedGen C2717884, MONDO:0011158, OMIM 601859.

Allele frequency attached by ClinVar (database versions not stated): ExAC 0.00006; gnomAD exomes 0.00004 and 0.00003.
gnomAD v4.1: 49 of 1,614,176 alleles (0.003%); highest among the groups gnomAD compares: South Asian, 0.054%; no homozygotes.

Submission:

Illumina Laboratory Services, Illumina
Classification: Likely benign for Autoimmune lymphoproliferative syndrome type 1. Last evaluated: 2018-01-13. Review status: criteria provided, single submitter. Criteria: ICSL Variant Classification Criteria 13 December 2019. Collection method: clinical testing. Allele origin: germline.
Comment: This variant was observed in the ICSL laboratory as part of a predisposition screen in an ostensibly healthy population. It had not been previously curated by ICSL or reported in the Human Gene Mutation Database (HGMD: prior to June 1st, 2018), and was therefore a candidate for classification through an automated scoring system. Utilizing variant allele frequency, disease prevalence and penetrance estimates, and inheritance mode, an automated score was calculated to assess if this variant is too frequent to cause the disease. Based on the score and internal cut-off values, a variant classified as likely benign is not then subjected to further curation. The score for this variant resulted in a classification of likely benign for this disease.